The following is an entry in ClinVar:

ClinVar aggregate classification (germline): Uncertain significance (1 of 4 stars; one submission).

Conditions:
Joubert syndrome 21 (JBTS21). Identifiers: MedGen C3810212, MONDO:0014288, OMIM 615636.

Allele frequency attached by ClinVar (database versions not stated): gnomAD 0.00001; TOPMed 0.00002.
gnomAD v4.1: 2 of 1,613,822 alleles (0.00012%); highest among the groups gnomAD compares: African/African-American, 0.0027%; no homozygotes.

Submission:

Labcorp Genetics (formerly Invitae), Labcorp
Classification: Uncertain significance for Joubert syndrome 21. Last evaluated: 2022-06-27. Review status: criteria provided, single submitter. Criteria: Invitae Variant Classification Sherloc (09022015). Collection method: clinical testing. Allele origin: germline.
Comment: In summary, the available evidence is currently insufficient to determine the role of this variant in disease. Therefore, it has been classified as a Variant of Uncertain Significance. Algorithms developed to predict the effect of missense changes on protein structure and function (SIFT, PolyPhen-2, Align-GVGD) all suggest that this variant is likely to be tolerated. This variant has not been reported in the literature in individuals affected with CSPP1-related conditions. This variant is not present in population databases (gnomAD no frequency). This sequence change replaces alanine, which is neutral and non-polar, with aspartic acid, which is acidic and polar, at codon 9 of the CSPP1 protein (p.Ala9Asp).

NM_001382391.1(CSPP1):c.-125C>A

Gene: CSPP1 (centrosome and spindle pole associated protein 1; plus strand). Cytogenetic location: 8q13.1.
Variant type: single nucleotide variant.
Coding change: c.-125C>A on transcript NM_001382391.1 (MANE Select); 125 bases upstream of the start codon, C replaced by A.
Molecular consequence: 5 prime UTR variant. On other transcripts: missense variant (3).
Genome position (GRCh38, 1-based): chr8:67,064,424, C>A. VCF-style: chr8-67064424-C-A. GRCh37 (hg19) VCF-style: chr8-67976659-C-A.
Other names: c.-125C>A (NM_001363131.2, NM_001363132.2, NM_001363133.2); c.26C>A, p.Ala9Asp (NM_001364869.1, NM_001364870.1, NM_024790.7); short protein forms A9D.
Identifiers: ClinVar variation 2011274 (VCV002011274.4), dbSNP rs1409280084, ClinGen allele CA371208478.